The following is an entry in ClinVar:

ClinVar aggregate classification (germline): Uncertain significance (1 of 4 stars; one submission).

Submission:

GeneDx
Classification: Uncertain significance. Last evaluated: 2025-03-21. Review status: criteria provided, single submitter. Criteria: GeneDx Variant Classification Process June 2021. Collection method: clinical testing. Allele origin: germline. Affected: yes.
Comment: Not observed at significant frequency in large population cohorts (gnomAD); In silico analysis indicates that this missense variant does not alter protein structure/function; Has not been previously published as pathogenic or benign to our knowledge

NM_030948.6(PHACTR1):c.996G>C (p.Gln332His)

Gene: PHACTR1 (phosphatase and actin regulator 1; plus strand). Cytogenetic location: 6p24.1.
Variant type: single nucleotide variant.
Coding change: c.996G>C on transcript NM_030948.6 (MANE Select); coding-DNA position 996, G replaced by C.
Protein change: p.Gln332His; replaces glutamine 332 with histidine.
Molecular consequence: missense variant.
Genome position (GRCh38, 1-based): chr6:13,227,825, G>C. VCF-style: chr6-13227825-G-C. GRCh37 (hg19) VCF-style: chr6-13228057-G-C.
Other names: c.996G>C, p.Gln332His (NM_001242648.4, NM_001322308.3, NM_001322309.3 and 1 more transcripts); c.1203G>C, p.Gln401His (NM_001322310.2, NM_001374582.1); c.720G>C, p.Gln240His (NM_001322311.2, NM_001322312.3, NM_001374583.2); c.927G>C, p.Gln309His (NM_001322313.2); c.1206G>C, p.Gln402His (NM_001322314.4); short protein forms Q240H, Q309H, Q332H, Q401H, Q402H.
Identifiers: ClinVar variation 4086420 (VCV004086420.1).